The following is an entry in ClinVar:

ClinVar aggregate classification (germline): Uncertain significance. Review status: criteria provided, multiple submitters, no conflicts (2 of 4 stars). 2 submissions from 2 submitters: Uncertain significance (2). Last evaluated 2024-10-01.

Conditions:
Cardiovascular phenotype. Identifiers: MedGen CN230736.

Allele frequency attached by ClinVar (database versions not stated): gnomAD exomes below 0.00001.
gnomAD v4.1: 1 of 1,614,186 alleles (0.000062%); highest among the groups gnomAD compares: Non-Finnish European, 0.000085%; no homozygotes.

Submissions (2):

CeGaT Center for Human Genetics Tuebingen
Classification: Uncertain significance. Last evaluated: 2024-10-01. Review status: criteria provided, single submitter. Criteria: CeGaT Center For Human Genetics Tuebingen Variant Classification Criteria Version 2. Collection method: clinical testing. Allele origin: germline. Affected: yes. Observed: 1 variant allele.
Comment: TTN: PM2

Ambry Genetics
Classification: Uncertain significance for Cardiovascular phenotype. Last evaluated: 2020-06-18. Review status: criteria provided, single submitter. Criteria: Ambry Variant Classification Scheme 2023. Collection method: clinical testing. Allele origin: germline.
Comment: The p.K2754R variant (also known as c.8261A>G), located in coding exon 34 of the TTN gene, results from an A to G substitution at nucleotide position 8261. The lysine at codon 2754 is replaced by arginine, an amino acid with highly similar properties. This amino acid position is highly conserved in available vertebrate species. In addition, the in silico prediction for this alteration is inconclusive. Since supporting evidence is limited at this time, the clinical significance of this alteration remains unclear.

NM_001267550.2(TTN):c.8399A>G (p.Lys2800Arg)

Gene: TTN (titin; minus strand). Cytogenetic location: 2q31.2.
Variant type: single nucleotide variant.
Coding change: c.8399A>G on transcript NM_001267550.2 (MANE Select); coding-DNA position 8399, A replaced by G.
Protein change: p.Lys2800Arg; replaces lysine 2800 with arginine.
Molecular consequence: missense variant.
Genome position (GRCh38, 1-based): chr2:178,770,302, T>C on the plus strand (A>G on the coding strand, the complement: TTN is on the minus strand). VCF-style: chr2-178770302-T-C. GRCh37 (hg19) VCF-style: chr2-179635029-T-C.
Other names: c.8399A>G, p.Lys2800Arg (NM_001256850.1, NM_133378.4, NM_133379.5); c.8261A>G, p.Lys2754Arg (NM_003319.4, NM_133432.3, NM_133437.4); short protein forms K2800R, K2754R.
Identifiers: ClinVar variation 1762672 (VCV001762672.16), dbSNP rs2532490986, ClinGen allele CA349677475.